The following is an entry in ClinVar:

NM_000455.5(STK11):c.920+6_920+21del

Gene: STK11 (serine/threonine kinase 11; plus strand). Cytogenetic location: 19p13.3.
Variant type: Deletion.
Coding change: c.920+6_920+21del on transcript NM_000455.5 (MANE Select); bases 6 to 21 of the intron after coding-DNA position 920, 16 bases deleted (CGGCCCCTGGGGGCAG).
Molecular consequence: intron variant.
Genome position (GRCh38, 1-based): chr19:1,222,012-1,222,027, CGGCCCCTGGGGGCAG deleted; deleting any 16 consecutive bases within chr19:1,222,010-1,222,027 gives the same sequence; the c. name uses the placement nearest the transcript's 3' end. VCF-style (leftmost placement, unchanged base first): chr19-1222009-GAGCGGCCCCTGGGGGC-G. GRCh37 (hg19) VCF-style: chr19-1222008-GAGCGGCCCCTGGGGGC-G.
Other names: c.920+6_920+21del (NM_001407255.1).
Identifiers: ClinVar variation 2699547 (VCV002699547.3), dbSNP rs2512946816, ClinGen allele CA2697555605.

ClinVar aggregate classification (germline): Uncertain significance (1 of 4 stars; one submission).

Conditions:
Peutz-Jeghers syndrome (PJS). Also called: Peutz-Jeghers polyposis; Periorificial lentiginosis syndrome; POLYPOSIS, HAMARTOMATOUS INTESTINAL; POLYPS-AND-SPOTS SYNDROME. Identifiers: Orphanet 2869, MedGen C0031269, MeSH D010580, MONDO:0008280, OMIM 175200.

Submission:

Labcorp Genetics (formerly Invitae), Labcorp
Classification: Uncertain significance for Peutz-Jeghers syndrome. Last evaluated: 2024-12-23. Review status: criteria provided, single submitter. Criteria: Invitae Variant Classification Sherloc (09022015). Collection method: clinical testing. Allele origin: germline.
Comment: This sequence change falls in intron 7 of the STK11 gene. It does not directly change the encoded amino acid sequence of the STK11 protein. It affects a nucleotide within the consensus splice site. This variant is not present in population databases (gnomAD no frequency). This variant has not been reported in the literature in individuals affected with STK11-related conditions. ClinVar contains an entry for this variant (Variation ID: 2699547). Variants that disrupt the consensus splice site are a relatively common cause of aberrant splicing (PMID: 17576681, 9536098). In summary, the available evidence is currently insufficient to determine the role of this variant in disease. Therefore, it has been classified as a Variant of Uncertain Significance.

Literature cited by the submitters: PubMed 17576681; PubMed 9536098.